The following is an entry in ClinVar:

ClinVar aggregate classification (germline): Uncertain significance (1 of 4 stars; one submission).

Submission:

Labcorp Genetics (formerly Invitae), Labcorp
Classification: Uncertain significance. Last evaluated: 2020-12-04. Review status: criteria provided, single submitter. Criteria: Invitae Variant Classification Sherloc (09022015). Collection method: clinical testing. Allele origin: germline.
Comment: In summary, the available evidence is currently insufficient to determine the role of this variant in disease. Therefore, it has been classified as a Variant of Uncertain Significance. This sequence change replaces glutamic acid with glycine at codon 302 of the FCHO1 protein (p.Glu302Gly). The glutamic acid residue is moderately conserved and there is a moderate physicochemical difference between glutamic acid and glycine. This variant is not present in population databases (ExAC no frequency). This variant has not been reported in the literature in individuals with FCHO1-related conditions. Algorithms developed to predict the effect of missense changes on protein structure and function (SIFT, PolyPhen-2, Align-GVGD) all suggest that this variant is likely to be tolerated, but these predictions have not been confirmed by published functional studies and their clinical significance is uncertain.

NM_015122.3(FCHO1):c.905A>G (p.Glu302Gly)

Gene: FCHO1 (FCH and mu domain containing endocytic adaptor 1; plus strand). Cytogenetic location: 19p13.11.
Variant type: single nucleotide variant.
Coding change: c.905A>G on transcript NM_015122.3 (MANE Select); coding-DNA position 905, A replaced by G.
Protein change: p.Glu302Gly; replaces glutamic acid 302 with glycine.
Molecular consequence: missense variant. On other transcripts: non-coding transcript variant (36).
Genome position (GRCh38, 1-based): chr19:17,774,463, A>G. VCF-style: chr19-17774463-A-G. GRCh37 (hg19) VCF-style: chr19-17885272-A-G.
Other names: c.830A>G, p.Glu277Gly (NM_001384390.1); c.905A>G, p.Glu302Gly (NM_001384391.1, NM_001384392.1, NM_001384393.1 and 25 more transcripts); c.755A>G, p.Glu252Gly (NM_001161359.2, NM_001384384.1, NM_001384385.1 and 3 more transcripts); c.866A>G, p.Glu289Gly (NM_001384388.1, NM_001384389.1, NM_001384405.1); c.860A>G, p.Glu287Gly (NM_001384403.1); short protein forms E252G, E287G, E302G, E277G, E289G.
Identifiers: ClinVar variation 1491095 (VCV001491095.8), dbSNP rs2147082615, ClinGen allele CA404750728.
Genomic context (GRCh38, chr19:17,774,463, plus strand): 5'-GTTTGCGGGGAGCCAAGGCCTTTCGCCTTCCAGGACTAAGCCGGCGGGAGCGGGAGCCAG[A>G]GCCACCTGCAGCTGTGTGAGGAAGCACCCCTGCCCGGTCTGGCCCAGGCTAGACCGAGAT-3'
Protein context (NP_055937.1, residues 292-312): PGLSRREREP[Glu302Gly]PPAAVDFLEP